The following is an entry in ClinVar:

NM_002454.3(MTRR):c.1621A>G (p.Ile541Val)

Gene: MTRR (5-methyltetrahydrofolate-homocysteine methyltransferase reductase; plus strand). Cytogenetic location: 5p15.31.
Variant type: single nucleotide variant.
Coding change: c.1621A>G on transcript NM_002454.3 (MANE Select); coding-DNA position 1621, A replaced by G.
Protein change: p.Ile541Val; replaces isoleucine 541 with valine.
Molecular consequence: missense variant. On other transcripts: non-coding transcript variant (14).
Genome position (GRCh38, 1-based): chr5:7,895,797, A>G. VCF-style: chr5-7895797-A-G. GRCh37 (hg19) VCF-style: chr5-7895910-A-G.
Other names: c.1621A>G, p.Ile541Val (NM_001364440.2, NM_001364441.2, NM_001364442.2 and 1 more transcripts); short protein forms I541V.
Identifiers: ClinVar variation 1414439 (VCV001414439.3), dbSNP rs752471011, ClinGen allele CA113814394.

ClinVar aggregate classification (germline): Uncertain significance (1 of 4 stars; one submission).

Conditions:
Methylcobalamin deficiency type cblE (HMAE). Also called: HOMOCYSTINURIA-MEGALOBLASTIC ANEMIA, cblE COMPLEMENTATION TYPE; HOMOCYSTINURIA-MEGALOBLASTIC ANEMIA, cblE TYPE; VITAMIN B12-RESPONSIVE HOMOCYSTINURIA, cblE TYPE. Identifiers: Orphanet 2169, Orphanet 622, MedGen C1856057, MONDO:0009354, OMIM 236270.

Allele frequency attached by ClinVar (database versions not stated): gnomAD 0.00001.
gnomAD v4.1: 3 of 1,614,040 alleles (0.00019%); highest among the groups gnomAD compares: African/African-American, 0.0013%; no homozygotes.

Submission:

Labcorp Genetics (formerly Invitae), Labcorp
Classification: Uncertain significance for Methylcobalamin deficiency type cblE. Last evaluated: 2022-09-07. Review status: criteria provided, single submitter. Criteria: Invitae Variant Classification Sherloc (09022015). Collection method: clinical testing. Allele origin: germline.
Comment: This sequence change replaces isoleucine, which is neutral and non-polar, with valine, which is neutral and non-polar, at codon 541 of the MTRR protein (p.Ile541Val). This variant is not present in population databases (gnomAD no frequency). This variant has not been reported in the literature in individuals affected with MTRR-related conditions. ClinVar contains an entry for this variant (Variation ID: 1414439). Algorithms developed to predict the effect of missense changes on protein structure and function output the following: SIFT: "Tolerated"; PolyPhen-2: "Benign"; Align-GVGD: "Class C0". The valine amino acid residue is found in multiple mammalian species, which suggests that this missense change does not adversely affect protein function. In summary, the available evidence is currently insufficient to determine the role of this variant in disease. Therefore, it has been classified as a Variant of Uncertain Significance.